The following is an entry in ClinVar:

ClinVar aggregate classification (germline): Uncertain significance (1 of 4 stars; one submission).

Conditions:
CDH15-related disorder. Also called: CDH15-related condition.

Submission:

PreventionGenetics, part of Exact Sciences
Classification: Uncertain significance for CDH15-related condition. Last evaluated: 2024-11-21. Review status: criteria provided, single submitter. Criteria: ACMG Guidelines, 2015. Collection method: clinical testing. Allele origin: germline.
Comment: The CDH15 c.404C>A variant is predicted to result in the amino acid substitution p.Pro135His. To our knowledge, this variant has not been reported in the literature or in a large population database (gnomAD), indicating this variant is rare. At this time, the clinical significance of this variant is uncertain due to the absence of conclusive functional and genetic evidence.

NM_004933.3(CDH15):c.404C>A (p.Pro135His)

Gene: CDH15 (cadherin 15; plus strand). Cytogenetic location: 16q24.3.
Variant type: single nucleotide variant.
Coding change: c.404C>A on transcript NM_004933.3 (MANE Select); coding-DNA position 404, C replaced by A.
Protein change: p.Pro135His; replaces proline 135 with histidine.
Molecular consequence: missense variant.
Genome position (GRCh38, 1-based): chr16:89,183,594, C>A. VCF-style: chr16-89183594-C-A. GRCh37 (hg19) VCF-style: chr16-89250002-C-A.
Other names: short protein forms P135H.
Identifiers: ClinVar variation 2629984 (VCV002629984.2), dbSNP rs1597305873, ClinGen allele CA397137475.